The following is an entry in ClinVar:

ClinVar aggregate classification (germline): Uncertain significance (1 of 4 stars; one submission).

gnomAD v4.1: 2 of 1,614,012 alleles (0.00012%); highest among the groups gnomAD compares: Admixed American, 0.0017%; no homozygotes.

Submission:

Labcorp Genetics (formerly Invitae), Labcorp
Classification: Uncertain significance. Last evaluated: 2022-05-21. Review status: criteria provided, single submitter. Criteria: Invitae Variant Classification Sherloc (09022015). Collection method: clinical testing. Allele origin: germline.
Comment: This variant is not present in population databases (gnomAD no frequency). In summary, the available evidence is currently insufficient to determine the role of this variant in disease. Therefore, it has been classified as a Variant of Uncertain Significance. Algorithms developed to predict the effect of missense changes on protein structure and function are either unavailable or do not agree on the potential impact of this missense change (SIFT: "Deleterious"; PolyPhen-2: "Benign"; Align-GVGD: "Class C65"). This variant has not been reported in the literature in individuals affected with NBAS-related conditions. This sequence change replaces lysine, which is basic and polar, with threonine, which is neutral and polar, at codon 1780 of the NBAS protein (p.Lys1780Thr).

NM_015909.4(NBAS):c.5339A>C (p.Lys1780Thr)

Gene: NBAS (NBAS subunit of NRZ tethering complex; minus strand). Cytogenetic location: 2p24.3.
Variant type: single nucleotide variant.
Coding change: c.5339A>C on transcript NM_015909.4 (MANE Select); coding-DNA position 5339, A replaced by C.
Protein change: p.Lys1780Thr; replaces lysine 1780 with threonine.
Molecular consequence: missense variant. On other transcripts: non-coding transcript variant (1).
Genome position (GRCh38, 1-based): chr2:15,276,901, T>G on the plus strand (A>C on the coding strand, the complement: NBAS is on the minus strand). VCF-style: chr2-15276901-T-G. GRCh37 (hg19) VCF-style: chr2-15417025-T-G.
Other names: short protein forms K1780T.
Identifiers: ClinVar variation 1901658 (VCV001901658.4), dbSNP rs1669607251, ClinGen allele CA345883541.